The following is an entry in ClinVar:

ClinVar aggregate classification (germline): Uncertain significance (1 of 4 stars; one submission).

Conditions:
Hereditary cancer-predisposing syndrome. Also called: Tumor predisposition; Hereditary neoplastic syndrome; Neoplastic Syndromes, Hereditary; Hereditary Cancer Syndrome. Identifiers: Orphanet 140162, MedGen C0027672, MeSH D009386, MONDO:0015356.

Submission:

Ambry Genetics
Classification: Uncertain significance for Hereditary cancer-predisposing syndrome. Last evaluated: 2025-04-17. Review status: criteria provided, single submitter. Criteria: Ambry Variant Classification Scheme 2023. Collection method: clinical testing. Allele origin: germline.
Comment: The p.L760V variant (also known as c.2278T>G), located in coding exon 10 of the BRCA2 gene, results from a T to G substitution at nucleotide position 2278. The leucine at codon 760 is replaced by valine, an amino acid with highly similar properties. This amino acid position is conserved. In addition, this alteration is predicted to be tolerated by in silico analysis. Based on the available evidence, the clinical significance of this variant remains unclear.

NM_000059.4(BRCA2):c.2278T>G (p.Leu760Val)

Gene: BRCA2 (BRCA2 DNA repair associated; plus strand). Cytogenetic location: 13q13.1.
Variant type: single nucleotide variant.
Coding change: c.2278T>G on transcript NM_000059.4 (MANE Select); coding-DNA position 2278, T replaced by G.
Protein change: p.Leu760Val; replaces leucine 760 with valine.
Molecular consequence: missense variant. On other transcripts: non-coding transcript variant (1), intron variant (2).
Genome position (GRCh38, 1-based): chr13:32,336,633, T>G. VCF-style: chr13-32336633-T-G. GRCh37 (hg19) VCF-style: chr13-32910770-T-G.
Other names: c.2278T>G, p.Leu760Val (NM_001406719.1, NM_001406720.1, NM_001432077.1); c.1909+3246T>G (NM_001406721.1); c.424+5603T>G (NM_001406722.1); short protein forms L760V.
Identifiers: ClinVar variation 3992804 (VCV003992804.1).